The following is an entry in ClinVar:

ClinVar aggregate classification (germline): Uncertain significance. Review status: criteria provided, multiple submitters, no conflicts (2 of 4 stars). 2 submissions from 2 submitters: Uncertain significance (2). Last evaluated 2025-10-27.

Conditions:
Inborn genetic diseases. Identifiers: MedGen C0950123, MeSH D030342.
Baller-Gerold syndrome (BGS). Also called: CRANIOSYNOSTOSIS WITH RADIAL DEFECTS. Identifiers: Orphanet 1225, MedGen C0265308, MONDO:0009039, OMIM 218600.

gnomAD v4.1: 2 of 1,612,300 alleles (0.00012%); highest among the groups gnomAD compares: Non-Finnish European, 0.00017%; no homozygotes.

Submissions (2):

Ambry Genetics
Classification: Uncertain significance for Inborn genetic diseases. Last evaluated: 2025-10-27. Review status: criteria provided, single submitter. Criteria: Ambry Variant Classification Scheme 2023. Collection method: clinical testing. Allele origin: germline.
Comment: The p.R618G variant (also known as c.1852C>G), located in coding exon 11 of the RECQL4 gene, results from a C to G substitution at nucleotide position 1852. The arginine at codon 618 is replaced by glycine, an amino acid with dissimilar properties. This amino acid position is conserved. In addition, this alteration is predicted to be deleterious by in silico analysis. Based on the available evidence, the clinical significance of this variant remains unclear.

Labcorp Genetics (formerly Invitae), Labcorp
Classification: Uncertain significance for Baller-Gerold syndrome. Last evaluated: 2022-12-11. Review status: criteria provided, single submitter. Criteria: Invitae Variant Classification Sherloc (09022015). Collection method: clinical testing. Allele origin: germline.
Comment: This variant has not been reported in the literature in individuals affected with RECQL4-related conditions. This sequence change replaces arginine, which is basic and polar, with glycine, which is neutral and non-polar, at codon 618 of the RECQL4 protein (p.Arg618Gly). This variant is not present in population databases (gnomAD no frequency). ClinVar contains an entry for this variant (Variation ID: 1407263). Advanced modeling of protein sequence and biophysical properties (such as structural, functional, and spatial information, amino acid conservation, physicochemical variation, residue mobility, and thermodynamic stability) performed at Invitae indicates that this missense variant is expected to disrupt RECQL4 protein function. In summary, the available evidence is currently insufficient to determine the role of this variant in disease. Therefore, it has been classified as a Variant of Uncertain Significance.

NM_004260.4(RECQL4):c.1852C>G (p.Arg618Gly)

Gene: RECQL4 (RecQ like helicase 4; minus strand). Cytogenetic location: 8q24.3.
Variant type: single nucleotide variant.
Coding change: c.1852C>G on transcript NM_004260.4 (MANE Select); coding-DNA position 1852, C replaced by G.
Protein change: p.Arg618Gly; replaces arginine 618 with glycine.
Molecular consequence: missense variant.
Genome position (GRCh38, 1-based): chr8:144,514,215, G>C on the plus strand (C>G on the coding strand, the complement: RECQL4 is on the minus strand). VCF-style: chr8-144514215-G-C. GRCh37 (hg19) VCF-style: chr8-145739599-G-C.
Other names: c.1852C>G (NM_004260.3); short protein forms R618G.
Identifiers: ClinVar variation 1407263 (VCV001407263.7), dbSNP rs766726409, ClinGen allele CA372680629.